The following is an entry in ClinVar:

NM_001382567.1(STIM1):c.31CTC[3] (p.Leu12_Trp13insLeu)

Gene: STIM1 (stromal interaction molecule 1; plus strand). Cytogenetic location: 11p15.4.
Variant type: Microsatellite.
Coding change: c.31CTC[3] on transcript NM_001382567.1 (MANE Select); three copies in a row of the 3-base unit CTC starting at c.31; the reference has two copies in a row; one copy, 3 bases duplicated.
Protein change: p.Leu12_Trp13insLeu.
Molecular consequence: inframe insertion. On other transcripts: 5 prime UTR variant (1), non-coding transcript variant (3), intron variant (10).
Genome position (GRCh38, 1-based): chr11:3,856,304-3,856,306, CTC duplicated; duplicating any 3 consecutive bases within chr11:3,856,301-3,856,306 gives the same sequence; the position shown is the placement nearest the transcript's 3' end. VCF-style (leftmost placement, unchanged base first): chr11-3856300-G-GCTC. GRCh37 (hg19) VCF-style: chr11-3877530-G-GCTC.
Other names: c.31CTC[3], p.Leu12_Trp13insLeu (NM_001277961.3, NM_001277962.2, NM_001382568.1 and 3 more transcripts); c.27CTC[3], p.Ser11_Gly12insSer (NM_001382569.1); c.-207CTC[3] (NM_001382571.1); c.-84+1565CTC[3] (NM_001382578.1, NM_001382575.1, NM_001382574.1); c.-220+1565CTC[3] (NM_001382580.1, NM_001382581.1); c.-84+1647CTC[3] (NM_001382576.1); c.-84+885CTC[3] (NM_001382566.1, NM_001382579.1, NM_001382577.1 and 1 more transcripts).
Identifiers: ClinVar variation 3763953 (VCV003763953.2).

ClinVar aggregate classification (germline): Uncertain significance (1 of 4 stars; one submission).

Conditions:
Myopathy with tubular aggregates (TAM). Also called: Tubular Aggregate Myopathy. Identifiers: Orphanet 2593, MedGen C0410207, MONDO:0008051.
Combined immunodeficiency due to STIM1 deficiency. Also called: STIM1 DEFICIENCY; IMMUNODEFICIENCY 10. Identifiers: Orphanet 169090, Orphanet 317430, MedGen C2748557, MONDO:0013008, OMIM 612783.
Stormorken syndrome (STRMK). Also called: THROMBOCYTOPATHY, ASPLENIA, AND MIOSIS. Identifiers: Orphanet 3204, MedGen C1861451, MONDO:0008497, OMIM 185070.

Submission:

Labcorp Genetics (formerly Invitae), Labcorp
Classification: Uncertain significance for Myopathy with tubular aggregates; Combined immunodeficiency due to STIM1 deficiency; Stormorken syndrome. Last evaluated: 2025-01-26. Review status: criteria provided, single submitter. Criteria: Invitae Variant Classification Sherloc (09022015). Collection method: clinical testing. Allele origin: germline.
Comment: This variant, c.34_36dup, results in the insertion of 1 amino acid(s) of the STIM1 protein (p.Leu12dup), but otherwise preserves the integrity of the reading frame. This variant is not present in population databases (gnomAD no frequency). This variant has not been reported in the literature in individuals affected with STIM1-related conditions. In summary, the available evidence is currently insufficient to determine the role of this variant in disease. Therefore, it has been classified as a Variant of Uncertain Significance.